The following is an entry in ClinVar:

NM_001365088.1(SLC12A6):c.443C>G (p.Ser148Cys)

Gene: SLC12A6 (solute carrier family 12 member 6; minus strand). Cytogenetic location: 15q14.
Variant type: single nucleotide variant.
Coding change: c.443C>G on transcript NM_001365088.1 (MANE Select); coding-DNA position 443, C replaced by G.
Protein change: p.Ser148Cys; replaces serine 148 with cysteine.
Molecular consequence: missense variant.
Genome position (GRCh38, 1-based): chr15:34,258,913, G>C on the plus strand (C>G on the coding strand, the complement: SLC12A6 is on the minus strand). VCF-style: chr15-34258913-G-C. GRCh37 (hg19) VCF-style: chr15-34551114-G-C.
Other names: c.266C>G, p.Ser89Cys (NM_001042494.2, NM_001042495.2); c.416C>G, p.Ser139Cys (NM_001042496.2); c.398C>G, p.Ser133Cys (NM_001042497.2); c.290C>G, p.Ser97Cys (NM_005135.2); c.443C>G, p.Ser148Cys (NM_133647.2); short protein forms S89C, S133C, S139C, S97C, S148C.
Identifiers: ClinVar variation 2101612 (VCV002101612.2), dbSNP rs2509837938, ClinGen allele CA391613768.
Genomic context (GRCh38, chr15:34,258,913, plus strand): 5'-TCTTCATGTTCCTTTGCTCCTTGAGTCAGATTAGTGTAATTGGCCATGCGGTTGAGGAGG[G>C]AAGACACCTTCGGTCTGGTGTCCATTTCTTCCTATAAAGCCAGTGACATGGAAGAAATGA-3'
Protein context (NP_001352017.1, residues 138-158): EEMDTRPKVS[Ser148Cys]LLNRMANYTN

ClinVar aggregate classification (germline): Uncertain significance (1 of 4 stars; one submission).

Allele frequency attached by ClinVar (database versions not stated): gnomAD exomes below 0.00001.
gnomAD v4.1: 1 of 1,610,842 alleles (0.000062%); highest among the groups gnomAD compares: Non-Finnish European, 0.000085%; no homozygotes.

Submission:

Labcorp Genetics (formerly Invitae), Labcorp
Classification: Uncertain significance. Last evaluated: 2022-03-12. Review status: criteria provided, single submitter. Criteria: Invitae Variant Classification Sherloc (09022015). Collection method: clinical testing. Allele origin: germline.
Comment: In summary, the available evidence is currently insufficient to determine the role of this variant in disease. Therefore, it has been classified as a Variant of Uncertain Significance. Algorithms developed to predict the effect of missense changes on protein structure and function (SIFT, PolyPhen-2, Align-GVGD) all suggest that this variant is likely to be disruptive. This variant has not been reported in the literature in individuals affected with SLC12A6-related conditions. This variant is not present in population databases (gnomAD no frequency). This sequence change replaces serine, which is neutral and polar, with cysteine, which is neutral and slightly polar, at codon 148 of the SLC12A6 protein (p.Ser148Cys).